The following is an entry in ClinVar:

NM_002382.5(MAX):c.293A>G (p.Gln98Arg)

Gene: MAX (MYC associated transcriptional regulator X; minus strand). Cytogenetic location: 14q23.3.
Variant type: single nucleotide variant.
Coding change: c.293A>G on transcript NM_002382.5 (MANE Select); coding-DNA position 293, A replaced by G.
Protein change: p.Gln98Arg; replaces glutamine 98 with arginine.
Molecular consequence: missense variant. On other transcripts: 5 prime UTR variant (2), non-coding transcript variant (7), intron variant (2).
Genome position (GRCh38, 1-based): chr14:65,077,915, T>C on the plus strand (A>G on the coding strand, the complement: MAX is on the minus strand). VCF-style: chr14-65077915-T-C. GRCh37 (hg19) VCF-style: chr14-65544633-T-C.
Other names: c.293A>G, p.Gln98Arg (NM_001407103.1, NM_001407104.1, NM_001407094.1 and 3 more transcripts); c.19A>G, p.Lys7Glu (NM_001407105.1, NM_001407106.1, NM_001407107.1 and 1 more transcripts); c.266A>G, p.Gln89Arg (NM_001407108.1, NM_001407109.1, NM_001407110.1 and 6 more transcripts); c.-75A>G (NM_001407111.1, NM_001407112.1); c.185A>G, p.Gln62Arg (NM_001407098.1); c.144+15793A>G (NM_001271069.2); c.171+15793A>G (NM_197957.4); short protein forms K7E, Q62R, Q89R, Q98R.
Identifiers: ClinVar variation 3253101 (VCV003253101.6), dbSNP rs2504194034.

ClinVar aggregate classification (germline): Uncertain significance. Review status: criteria provided, multiple submitters, no conflicts (2 of 4 stars). 2 submissions from 2 submitters: Uncertain significance (2). Last evaluated 2025-12-01.

Submissions (2):

CeGaT Center for Human Genetics Tuebingen
Classification: Uncertain significance. Last evaluated: 2025-12-01. Review status: criteria provided, single submitter. Criteria: CeGaT Center For Human Genetics Tuebingen Variant Classification Criteria Version 2. Collection method: clinical testing. Allele origin: germline. Affected: yes. Observed: 1 variant allele.
Comment: MAX: PM2, PP3

GeneDx
Classification: Uncertain significance. Last evaluated: 2023-10-05. Review status: criteria provided, single submitter. Criteria: GeneDx Variant Classification Process June 2021. Collection method: clinical testing. Allele origin: germline. Affected: yes.
Comment: Not observed at significant frequency in large population cohorts (gnomAD); In silico analysis supports that this missense variant has a deleterious effect on protein structure/function; Has not been previously published as pathogenic or benign to our knowledge; This variant is associated with the following publications: (PMID: 1730412)